The following is an entry in ClinVar:

ClinVar aggregate classification (germline): Likely benign (1 of 4 stars; one submission).

gnomAD v4.1: 2 of 1,613,212 alleles (0.00012%); highest among the groups gnomAD compares: Non-Finnish European, 0.00017%; no homozygotes.

Submission:

CeGaT Center for Human Genetics Tuebingen
Classification: Likely benign. Last evaluated: 2026-05-01. Review status: criteria provided, single submitter. Criteria: CeGaT Center For Human Genetics Tuebingen Variant Classification Criteria Version 2. Collection method: clinical testing. Allele origin: germline. Affected: yes. Observed: 1 variant allele.
Comment: TTN: BP4, BP7

NM_001267550.2(TTN):c.11311+3087A>G

Gene: TTN (titin; minus strand). Cytogenetic location: 2q31.2.
Variant type: single nucleotide variant.
Coding change: c.11311+3087A>G on transcript NM_001267550.2 (MANE Select); 3087 bases into the intron after coding-DNA position 11311, A replaced by G.
Molecular consequence: intron variant. On other transcripts: synonymous variant (1).
Genome position (GRCh38, 1-based): chr2:178,750,037, T>C on the plus strand (A>G on the coding strand, the complement: TTN is on the minus strand). VCF-style: chr2-178750037-T-C. GRCh37 (hg19) VCF-style: chr2-179614764-T-C.
Other names: c.12363A>G, p.Lys4121= (NM_133379.5); c.10222+3087A>G (NM_003319.4); c.10798+3087A>G (NM_133437.4); c.10597+3087A>G (NM_133432.3); c.10360+3087A>G (NM_133378.4, NM_001256850.1).
Identifiers: ClinVar variation 4873428 (VCV004873428.2).